The following is an entry in ClinVar:

NM_014738.6(TMEM94):c.2177C>T (p.Ser726Leu)

Gene: TMEM94 (transmembrane protein 94; plus strand). Cytogenetic location: 17q25.1.
Variant type: single nucleotide variant.
Coding change: c.2177C>T on transcript NM_014738.6 (MANE Select); coding-DNA position 2177, C replaced by T.
Protein change: p.Ser726Leu; replaces serine 726 with leucine.
Molecular consequence: missense variant.
Genome position (GRCh38, 1-based): chr17:75,493,581, C>T. VCF-style: chr17-75493581-C-T. GRCh37 (hg19) VCF-style: chr17-73489662-C-T.
Other names: c.2207C>T, p.Ser736Leu (NM_001321148.2, NM_001351203.2); c.2189C>T, p.Ser730Leu (NM_001321149.2); c.2129C>T, p.Ser710Leu (NM_001351202.2); c.2177C>T (NM_014738.5); short protein forms S710L, S736L, S726L, S730L.
Identifiers: ClinVar variation 3327226 (VCV003327226.2).

ClinVar aggregate classification (germline): Uncertain significance. Review status: criteria provided, multiple submitters, no conflicts (2 of 4 stars). 2 submissions from 2 submitters: Uncertain significance (2). Last evaluated 2026-02-09.

Conditions:
Inborn genetic diseases. Identifiers: MedGen C0950123, MeSH D030342.

gnomAD v4.1: 28 of 1,613,826 alleles (0.0017%); highest among the groups gnomAD compares: Middle Eastern, 0.033%; no homozygotes.

Submissions (2):

GeneDx
Classification: Uncertain significance. Last evaluated: 2026-02-09. Review status: criteria provided, single submitter. Criteria: GeneDx Variant Classification Process June 2021. Collection method: clinical testing. Allele origin: germline.
Comment: Not observed at significant frequency in large population cohorts (gnomAD); In silico analysis supports that this missense variant has a deleterious effect on protein structure/function; Has not been previously published as pathogenic or benign to our knowledge

Ambry Genetics
Classification: Uncertain significance for Inborn genetic diseases. Last evaluated: 2024-06-22. Review status: criteria provided, single submitter. Criteria: Ambry Variant Classification Scheme 2023. Collection method: clinical testing. Allele origin: germline.